The following is an entry in ClinVar:

NM_000308.4(CTSA):c.1215_1216insTTTTTTTTTTTTTTTTTTTTNNNNNNNNNNGAGGGGCTCCTCACTTCCCAGAAGGGGCGGCCGGGCAGAGGCGCCCCTCACCTCCCAGACGGGGCGGCTGGCATGGCCTGCAATTTC (p.Phe405_Met406insPhePhePhePhePhePheXaaXaaXaaXaaGluGlyLeuLeuThrSerGlnLysGlyArgProGlyArgGlyAlaProHisLeuProAspGlyAlaAlaGlyMetAlaCysAsnPhe)

Gene: CTSA (cathepsin A; plus strand). Cytogenetic location: 20q13.12.
Variant type: Insertion.
Coding change: c.1215_1216insTTTTTTTTTTTTTTTTTTTTNNNNNNNNNNGAGGGGCTCCTCACTTCCCAGAAGGGGCGGCCGGGCAGAGGCGCCCCTCACCTCCCAGACGGGGCGGCTGGCATGGCCTGCAATTTC on transcript NM_000308.4 (MANE Select); coding-DNA positions 1215 to 1216, TTTTTTTTTTTTTTTTTTTTNNNNNNNNNNGAGGGGCTCCTCACTTCCCAGAAGGGGCGGCCGGGCAGAGGCGCCCCTCACCTCCCAGACGGGGCGGCTGGCATGGCCTGCAATTTC inserted.
Protein change: p.Phe405_Met406insPhePhePhePhePhePheXaaXaaXaaXaaGluGlyLeuLeuThrSerGlnLysGlyArgProGlyArgGlyAlaProHisLeuProAspGlyAlaAlaGlyMetAlaCysAsnPhe.
Molecular consequence: inframe insertion. On other transcripts: non-coding transcript variant (1).
Genome position: GRCh38: chr20:45,897,767-45,897,768. GRCh37 (hg19): chr20:44,526,406-44,526,407.
Other names: c.1215_1216insTTTTTTTTTTTTTTTTTTTTNNNNNNNNNNGAGGGGCTCCTCACTTCCCAGAAGGGGCGGCCGGGCAGAGGCGCCCCTCACCTCCCAGACGGGGCGGCTGGCATGGCCTGCAATTTC, p.Phe405_Met406insPhePhePhePhePhePheXaaXaaXaaXaaGluGlyLeuLeuThrSerGlnLysGlyArgProGlyArgGlyAlaProHisLeuProAspGlyAlaAlaGlyMetAlaCysAsnPhe (NM_001127695.3); c.1164_1165insTTTTTTTTTTTTTTTTTTTTNNNNNNNNNNGAGGGGCTCCTCACTTCCCAGAAGGGGCGGCCGGGCAGAGGCGCCCCTCACCTCCCAGACGGGGCGGCTGGCATGGCCTGCAATTTC, p.Phe388_Met389insPhePhePhePhePhePheXaaXaaXaaXaaGluGlyLeuLeuThrSerGlnLysGlyArgProGlyArgGlyAlaProHisLeuProAspGlyAlaAlaGlyMetAlaCysAsnPhe (NM_001167594.3).
Identifiers: ClinVar variation 2827278 (VCV002827278.3), dbSNP rs2515447713.

ClinVar aggregate classification (germline): Pathogenic (1 of 4 stars; one submission).

Conditions:
Combined deficiency of sialidase AND beta galactosidase (GSL). Also called: GOLDBERG SYNDROME; NEURAMINIDASE DEFICIENCY WITH BETA-GALACTOSIDASE DEFICIENCY; NEURAMINIDASE/BETA-GALACTOSIDASE EXPRESSION; PPCA DEFICIENCY; PROTECTIVE PROTEIN/CATHEPSIN A DEFICIENCY; Galactosialidosis. Identifiers: Orphanet 351, MedGen C0268233, MONDO:0009737, OMIM 256540.

Submission:

Labcorp Genetics (formerly Invitae), Labcorp
Classification: Pathogenic for Combined deficiency of sialidase AND beta galactosidase. Last evaluated: 2025-08-10. Review status: criteria provided, single submitter. Criteria: Invitae Variant Classification Sherloc (09022015). Collection method: clinical testing. Allele origin: germline.
Comment: This sequence change inserts a large fragment of DNA, likely a transposable element, in exon 13 of the CTSA gene (c.1269_1270ins?), causing a frameshift at codon 424 (p.Met424fs). The exact size and sequence of the insertion cannot be determined by the current assay. However, the insertion is expected to result in an absent or disrupted protein product. This variant is not present in population databases (gnomAD no frequency). This variant has not been reported in the literature in individuals affected with CTSA-related conditions. Algorithms developed to predict the effect of sequence changes on RNA splicing suggest that this variant may disrupt the consensus splice site. Retrotransposon insertions including LINE1 (L1), Alu, and SVA (SINE-VNTR-Alu) have been reported to be disease-causing through disruption of either a coding region or splice site (PMID: 19763152, 20307669, 22406018) and loss-of-function variants in CTSA are known to be pathogenic (PMID: 15110321, 23915561). For these reasons, this variant has been classified as Pathogenic.

Literature cited by the submitters: PubMed 19763152; PubMed 20307669; PubMed 22406018; PubMed 15110321; PubMed 23915561.